The following is an entry in ClinVar:

NM_020458.4(TTC7A):c.665C>T (p.Thr222Met)

Gene: TTC7A (tetratricopeptide repeat domain 7A; plus strand). Cytogenetic location: 2p21.
Variant type: single nucleotide variant.
Coding change: c.665C>T on transcript NM_020458.4 (MANE Select); coding-DNA position 665, C replaced by T.
Protein change: p.Thr222Met; replaces threonine 222 with methionine.
Molecular consequence: missense variant. On other transcripts: 5 prime UTR variant (1).
Genome position (GRCh38, 1-based): chr2:46,978,808, C>T. VCF-style: chr2-46978808-C-T. GRCh37 (hg19) VCF-style: chr2-47205947-C-T.
Other names: c.665C>T, p.Thr222Met (NM_001288951.2); c.563C>T, p.Thr188Met (NM_001288953.2); c.-240C>T (NM_001288955.2); c.665C>T (NM_020458.2); short protein forms T188M, T222M.
Identifiers: ClinVar variation 1010589 (VCV001010589.4), dbSNP rs759227495, ClinGen allele CA1647307.

ClinVar aggregate classification (germline): Uncertain significance. Review status: criteria provided, multiple submitters, no conflicts (2 of 4 stars). 2 submissions from 2 submitters: Uncertain significance (2). Last evaluated 2023-08-07.

Conditions:
Multiple gastrointestinal atresias. Also called: Multiple intestinal atresia; FAMILIAL INTESTINAL POLYATRESIA SYNDROME. Identifiers: Orphanet 2300, MedGen C0220744, MONDO:0009465.
Inborn genetic diseases. Identifiers: MedGen C0950123, MeSH D030342.

Allele frequency attached by ClinVar (database versions not stated): gnomAD 0.00001; gnomAD exomes 0.00001; ExAC 0.00002; TOPMed 0.00003.
gnomAD v4.1: 19 of 1,613,784 alleles (0.0012%); highest among the groups gnomAD compares: Admixed American, 0.005%; no homozygotes.

Submissions (2):

Ambry Genetics
Classification: Uncertain significance for Inborn genetic diseases. Last evaluated: 2023-08-07. Review status: criteria provided, single submitter. Criteria: Ambry Variant Classification Scheme 2023. Collection method: clinical testing. Allele origin: germline.

Labcorp Genetics (formerly Invitae), Labcorp
Classification: Uncertain significance for Multiple gastrointestinal atresias. Last evaluated: 2022-08-23. Review status: criteria provided, single submitter. Criteria: Invitae Variant Classification Sherloc (09022015). Collection method: clinical testing. Allele origin: germline.
Comment: This sequence change replaces threonine, which is neutral and polar, with methionine, which is neutral and non-polar, at codon 222 of the TTC7A protein (p.Thr222Met). This variant is present in population databases (rs759227495, gnomAD 0.006%). This variant has not been reported in the literature in individuals affected with TTC7A-related conditions. ClinVar contains an entry for this variant (Variation ID: 1010589). Algorithms developed to predict the effect of missense changes on protein structure and function (SIFT, PolyPhen-2, Align-GVGD) all suggest that this variant is likely to be tolerated. In summary, the available evidence is currently insufficient to determine the role of this variant in disease. Therefore, it has been classified as a Variant of Uncertain Significance.